The following is an entry in ClinVar:

ClinVar aggregate classification (germline): Uncertain significance (1 of 4 stars; one submission).

Allele frequency attached by ClinVar (database versions not stated): gnomAD exomes below 0.00001; gnomAD 0.00001; TOPMed 0.00001; ESP Exome Variant Server 0.00008.
gnomAD v4.1: 23 of 1,611,472 alleles (0.0014%); highest among the groups gnomAD compares: Non-Finnish European, 0.0018%; no homozygotes.

Submission:

Labcorp Genetics (formerly Invitae), Labcorp
Classification: Uncertain significance. Last evaluated: 2024-10-02. Review status: criteria provided, single submitter. Criteria: Invitae Variant Classification Sherloc (09022015). Collection method: clinical testing. Allele origin: germline.
Comment: This sequence change replaces alanine, which is neutral and non-polar, with threonine, which is neutral and polar, at codon 794 of the LTBP2 protein (p.Ala794Thr). The frequency data for this variant in the population databases is considered unreliable, as metrics indicate poor data quality at this position in the gnomAD database. This variant has not been reported in the literature in individuals affected with LTBP2-related conditions. ClinVar contains an entry for this variant (Variation ID: 1510328). An algorithm developed to predict the effect of missense changes on protein structure and function outputs the following: PolyPhen-2: "Benign". The threonine amino acid residue is found in multiple mammalian species, which suggests that this missense change does not adversely affect protein function. In summary, the available evidence is currently insufficient to determine the role of this variant in disease. Therefore, it has been classified as a Variant of Uncertain Significance.

NM_000428.3(LTBP2):c.2380G>A (p.Ala794Thr)

Gene: LTBP2 (latent transforming growth factor beta binding protein 2; minus strand). Cytogenetic location: 14q24.3.
Variant type: single nucleotide variant.
Coding change: c.2380G>A on transcript NM_000428.3 (MANE Select); coding-DNA position 2380, G replaced by A.
Protein change: p.Ala794Thr; replaces alanine 794 with threonine.
Molecular consequence: missense variant.
Genome position (GRCh38, 1-based): chr14:74,527,355, C>T on the plus strand (G>A on the coding strand, the complement: LTBP2 is on the minus strand). VCF-style: chr14-74527355-C-T. GRCh37 (hg19) VCF-style: chr14-74994058-C-T.
Other names: short protein forms A794T.
Identifiers: ClinVar variation 1510328 (VCV001510328.4), dbSNP rs150047299, ClinGen allele CA263592038.